The following is an entry in ClinVar:

NM_000540.3(RYR1):c.14097G>T (p.Lys4699Asn)

Gene: RYR1 (ryanodine receptor 1; plus strand). Cytogenetic location: 19q13.2.
Variant type: single nucleotide variant.
Coding change: c.14097G>T on transcript NM_000540.3 (MANE Select); coding-DNA position 14097, G replaced by T.
Protein change: p.Lys4699Asn; replaces lysine 4699 with asparagine.
Molecular consequence: missense variant.
Genome position (GRCh38, 1-based): chr19:38,573,275, G>T. VCF-style: chr19-38573275-G-T. GRCh37 (hg19) VCF-style: chr19-39063915-G-T.
Other names: c.14082G>T, p.Lys4694Asn (NM_001042723.2); short protein forms K4694N, K4699N.
Identifiers: ClinVar variation 4757374 (VCV004757374.1).

ClinVar aggregate classification (germline): Uncertain significance (1 of 4 stars; one submission).

Conditions:
Malignant hyperthermia, susceptibility to, 1 (MHS1). Also called: RYR1-Related Malignant Hyperthermia Susceptibility; Malignant hyperthermia suceptibility 1; Anesthesia related hyperthermia; Malignant hyperpyrexia; Fulminating hyperpyrexia; Pharmacogenic myopathy. Identifiers: Orphanet 423, MedGen C2930980, MONDO:0007783, OMIM 145600.

gnomAD v4.1: 1 of 1,613,958 alleles (0.000062%); highest among the groups gnomAD compares: Non-Finnish European, 0.000085%; no homozygotes.

Submission:

Color Diagnostics, LLC DBA Color Health
Classification: Uncertain significance for Malignant hyperthermia, susceptibility to, 1. Last evaluated: 2025-06-30. Review status: criteria provided, single submitter. Criteria: ACMG Guidelines, 2015. Collection method: clinical testing. Allele origin: germline.
Comment: This missense variant replaces lysine with asparagine at codon 4699 of the RYR1 protein. Computational prediction is inconclusive regarding the impact of this variant on protein structure and function. To our knowledge, functional studies have not been reported for this variant. This variant has not been reported in individuals affected with RYR1-related disorders in the literature. This variant has not been identified in the general population by the Genome Aggregation Database (gnomAD). The available evidence is insufficient to determine the role of this variant in disease conclusively. Therefore, this variant is classified as a Variant of Uncertain Significance.